The following is an entry in ClinVar:

NM_053025.4(MYLK):c.260G>A (p.Gly87Glu)

Gene: MYLK (myosin light chain kinase; minus strand). Cytogenetic location: 3q21.1.
Variant type: single nucleotide variant.
Coding change: c.260G>A on transcript NM_053025.4 (MANE Select); coding-DNA position 260, G replaced by A.
Protein change: p.Gly87Glu; replaces glycine 87 with glutamic acid.
Molecular consequence: missense variant. On other transcripts: intron variant (1).
Genome position (GRCh38, 1-based): chr3:123,752,444, C>T on the plus strand (G>A on the coding strand, the complement: MYLK is on the minus strand). VCF-style: chr3-123752444-C-T. GRCh37 (hg19) VCF-style: chr3-123471291-C-T.
Other names: c.260G>A, p.Gly87Glu (NM_053026.4, NM_053027.4, NM_053028.4); c.-155-12443G>A (NM_001321309.2); short protein forms G87E.
Identifiers: ClinVar variation 511524 (VCV000511524.27), dbSNP rs368325180, ClinGen allele CA069054.

ClinVar aggregate classification (germline): Benign/Likely benign. Review status: criteria provided, multiple submitters, no conflicts (2 of 4 stars). 6 submissions from 6 submitters: Benign (2); Likely benign (3). 1 of the submissions does not count toward it. Last evaluated 2026-01-04.

Conditions:
Aortic aneurysm, familial thoracic 7 (AAT7). Also called: AORTIC DISSECTION, FAMILIAL, WITH OR WITHOUT AORTIC ANEURYSM. Identifiers: MedGen C3151077, MONDO:0013418, OMIM 613780.
MYLK-related disorder. Also called: MYLK-related condition.
Familial thoracic aortic aneurysm and aortic dissection (TAAD). Also called: Thoracic aortic aneurysms and dissections. Identifiers: Orphanet 91387, MedGen C4707243, MONDO:0019625.

Allele frequency attached by ClinVar (database versions not stated): gnomAD below 0.00001 and 0.00019; TOPMed 0.00002; ESP Exome Variant Server 0.00008; 1000 Genomes Project 30x 0.00078; 1000 Genomes Project 0.00100.
gnomAD v4.1: 558 of 1,614,174 alleles (0.035%); highest among the groups gnomAD compares: South Asian, 0.58%; 8 homozygotes.

Submissions (6):

Labcorp Genetics (formerly Invitae), Labcorp
Classification: Benign for Aortic aneurysm, familial thoracic 7. Last evaluated: 2026-01-04. Review status: criteria provided, single submitter. Criteria: Invitae Variant Classification Sherloc (09022015). Collection method: clinical testing. Allele origin: germline.

Ambry Genetics
Classification: Likely benign for Familial thoracic aortic aneurysm and aortic dissection. Last evaluated: 2024-03-08. Review status: criteria provided, single submitter. Criteria: Ambry Variant Classification Scheme 2023. Collection method: clinical testing. Allele origin: germline.

GeneDx
Classification: Likely benign. Last evaluated: 2021-05-06. Review status: criteria provided, single submitter. Criteria: GeneDx Variant Classification Process June 2021. Collection method: clinical testing. Allele origin: germline. Affected: yes.

Illumina Laboratory Services, Illumina
Classification: Likely benign for Aortic aneurysm, familial thoracic 7. Last evaluated: 2018-01-13. Review status: criteria provided, single submitter. Criteria: ICSL Variant Classification Criteria 13 December 2019. Collection method: clinical testing. Allele origin: germline.
Comment: This variant was observed in the ICSL laboratory as part of a predisposition screen in an ostensibly healthy population. It had not been previously curated by ICSL or reported in the Human Gene Mutation Database (HGMD: prior to June 1st, 2018), and was therefore a candidate for classification through an automated scoring system. Utilizing variant allele frequency, disease prevalence and penetrance estimates, and inheritance mode, an automated score was calculated to assess if this variant is too frequent to cause the disease. Based on the score and internal cut-off values, a variant classified as likely benign is not then subjected to further curation. The score for this variant resulted in a classification of likely benign for this disease.

ARUP Laboratories, Molecular Genetics and Genomics, ARUP Laboratories
Classification: Benign. Last evaluated: 2018-01-08. Review status: criteria provided, single submitter. Criteria: ARUP Molecular Germline Variant Investigation Process. Collection method: clinical testing. Allele origin: germline.

PreventionGenetics, part of Exact Sciences
Classification: Benign for MYLK-related condition. Last evaluated: 2023-12-05. Review status: no assertion criteria provided. Collection method: clinical testing. Allele origin: germline. Not counted in ClinVar's aggregate classification.
Comment: This variant is classified as benign based on ACMG/AMP sequence variant interpretation guidelines (Richards et al. 2015 PMID: 25741868, with internal and published modifications).